The following is an entry in ClinVar:

ClinVar aggregate classification (germline): Benign/Likely benign. Review status: criteria provided, multiple submitters, no conflicts (2 of 4 stars). 3 submissions from 3 submitters: Benign (1); Likely benign (2). Last evaluated 2024-07-15.

Conditions:
Hereditary cancer-predisposing syndrome. Also called: Tumor predisposition; Hereditary Cancer Syndrome; Neoplastic Syndromes, Hereditary; Hereditary neoplastic syndrome. Identifiers: Orphanet 140162, MedGen C0027672, MeSH D009386, MONDO:0015356.
BAP1-related tumor predisposition syndrome (TPDS1). Also called: TUMOR PREDISPOSITION SYNDROME 1; COMMON Syndrome; Tumor susceptibility linked to germline BAP1 mutations; BAP1 tumor predisposition syndrome. Identifiers: Orphanet 289539, MedGen C3280492, MONDO:0013692, OMIM 614327.

Allele frequency attached by ClinVar (database versions not stated): gnomAD exomes below 0.00001; gnomAD 0.00001.
gnomAD v4.1: 6 of 1,614,032 alleles (0.00037%); highest among the groups gnomAD compares: African/African-American, 0.0027%; no homozygotes.

Submissions (3):

Myriad Genetics, Inc.
Classification: Benign for BAP1-related tumor predisposition syndrome. Last evaluated: 2024-07-15. Review status: criteria provided, single submitter. Criteria: Myriad Autosomal Dominant, Autosomal Recessive and X-Linked Classification Criteria (2023). Collection method: clinical testing. Allele origin: unknown.
Comment: This variant is considered benign. This variant is a silent/synonymous amino acid change and it is not expected to impact splicing.

Labcorp Genetics (formerly Invitae), Labcorp
Classification: Likely benign for BAP1-related tumor predisposition syndrome. Last evaluated: 2024-04-07. Review status: criteria provided, single submitter. Criteria: Invitae Variant Classification Sherloc (09022015). Collection method: clinical testing. Allele origin: germline.

Ambry Genetics
Classification: Likely benign for Hereditary cancer-predisposing syndrome. Last evaluated: 2022-01-03. Review status: criteria provided, single submitter. Criteria: Ambry Variant Classification Scheme 2023. Collection method: clinical testing. Allele origin: germline.

NM_004656.4(BAP1):c.1086C>T (p.Asp362=)

Gene: BAP1 (BRCA1 associated deubiquitinase 1; minus strand). Cytogenetic location: 3p21.1.
Variant type: single nucleotide variant.
Coding change: c.1086C>T on transcript NM_004656.4 (MANE Select); coding-DNA position 1086, C replaced by T.
Protein change: p.Asp362=; no amino-acid change (aspartic acid 362 retained).
Molecular consequence: synonymous variant.
Genome position (GRCh38, 1-based): chr3:52,405,140, G>A on the plus strand (C>T on the coding strand, the complement: BAP1 is on the minus strand). VCF-style: chr3-52405140-G-A. GRCh37 (hg19) VCF-style: chr3-52439156-G-A.
Identifiers: ClinVar variation 1113180 (VCV001113180.10), dbSNP rs1233834534, ClinGen allele CA433774695.